The following is an entry in ClinVar:

ClinVar aggregate classification (germline): Benign/Likely benign. Review status: criteria provided, multiple submitters, no conflicts (2 of 4 stars). 3 submissions from 3 submitters: Benign (1); Likely benign (2). Last evaluated 2025-02-16.

Allele frequency attached by ClinVar (database versions not stated): gnomAD exomes 0.00010 and 0.00018; ExAC 0.00018; gnomAD 0.00042 and 0.00046; TOPMed 0.00049; ESP Exome Variant Server 0.00085.
gnomAD v4.1: 212 of 1,609,992 alleles (0.013%); highest among the groups gnomAD compares: African/African-American, 0.17%; 1 homozygote.

Submissions (3):

Laboratory of Genetics, Children's Clinical University Hospital Latvia
Classification: Benign. Last evaluated: 2025-02-16. Review status: criteria provided, single submitter. Criteria: ACMG Guidelines, 2015. Collection method: clinical testing. Allele origin: germline. Affected: yes.

CeGaT Center for Human Genetics Tuebingen
Classification: Likely benign. Last evaluated: 2024-07-01. Review status: criteria provided, single submitter. Criteria: CeGaT Center For Human Genetics Tuebingen Variant Classification Criteria Version 2. Collection method: clinical testing. Allele origin: germline. Affected: yes. Observed: 1 variant allele.
Comment: FLT4: BP4, BS1

Labcorp Genetics (formerly Invitae), Labcorp
Classification: Likely benign. Last evaluated: 2018-07-15. Review status: criteria provided, single submitter. Criteria: Invitae Variant Classification Sherloc (09022015). Collection method: clinical testing. Allele origin: germline.

NM_182925.5(FLT4):c.211G>A (p.Gly71Arg)

Gene: FLT4 (fms related receptor tyrosine kinase 4; minus strand). Cytogenetic location: 5q35.3.
Variant type: single nucleotide variant.
Coding change: c.211G>A on transcript NM_182925.5 (MANE Select); coding-DNA position 211, G replaced by A.
Protein change: p.Gly71Arg; replaces glycine 71 with arginine.
Molecular consequence: missense variant.
Genome position (GRCh38, 1-based): chr5:180,630,744, C>T on the plus strand (G>A on the coding strand, the complement: FLT4 is on the minus strand). VCF-style: chr5-180630744-C-T. GRCh37 (hg19) VCF-style: chr5-180057744-C-T.
Other names: c.211G>A, p.Gly71Arg (NM_001354989.2, NM_002020.5); short protein forms G71R.
Identifiers: ClinVar variation 703239 (VCV000703239.21), dbSNP rs138831198, ClinGen allele CA3607182.
Genomic context (GRCh38, chr5:180,630,744, plus strand): 5'-GCCTGGCGTCTGTGCCCTCGCAGTCTCGCACCACCCCCGTGTCCTCGCTGTCCTTGTCTC[C>T]GGTGGCTGGCGCCTCCTGAGCTCCTGGCCAAGCCCACTCGAGGGGGTGCTGTCCCCTGGC-3'
Protein context (NP_891555.2, residues 61-81): WPGAQEAPAT[Gly71Arg]DKDSEDTGVV